The following is an entry in ClinVar:

ClinVar aggregate classification (germline): Pathogenic. Review status: criteria provided, single submitter (1 of 4 stars). 2 submissions from 2 submitters: Pathogenic (1). 1 of the submissions does not count toward it. Last evaluated 2022-08-13.

Submissions (2):

Labcorp Genetics (formerly Invitae), Labcorp
Classification: Pathogenic. Last evaluated: 2022-08-13. Review status: criteria provided, single submitter. Criteria: Invitae Variant Classification Sherloc (09022015). Collection method: clinical testing. Allele origin: germline.
Comment: This sequence change replaces glycine, which is neutral and non-polar, with arginine, which is basic and polar, at codon 70 of the RS1 protein (p.Gly70Arg). This variant is not present in population databases (gnomAD no frequency). This missense change has been observed in individuals with retinoschisis (PMID: 10533068; Invitae). ClinVar contains an entry for this variant (Variation ID: 98914). Advanced modeling of protein sequence and biophysical properties (such as structural, functional, and spatial information, amino acid conservation, physicochemical variation, residue mobility, and thermodynamic stability) performed at Invitae indicates that this missense variant is expected to disrupt RS1 protein function. This variant disrupts the p.Gly70 amino acid residue in RS1. Other variant(s) that disrupt this residue have been determined to be pathogenic (PMID: 9618178, 12417531, 16361673, 28559085, 29902095). This suggests that this residue is clinically significant, and that variants that disrupt this residue are likely to be disease-causing. For these reasons, this variant has been classified as Pathogenic.

Retina International
No classification provided. Review status: no classification provided. Collection method: not provided. Allele origin: unknown. Not counted in ClinVar's aggregate classification.

Literature cited by the submitters: PubMed 10533068 (cited by Labcorp Genetics (formerly Invitae), Labcorp); PubMed 9618178 (cited by Labcorp Genetics (formerly Invitae), Labcorp); PubMed 12417531 (cited by Labcorp Genetics (formerly Invitae), Labcorp); PubMed 16361673 (cited by Labcorp Genetics (formerly Invitae), Labcorp); PubMed 28559085 (cited by Labcorp Genetics (formerly Invitae), Labcorp); PubMed 29902095 (cited by Labcorp Genetics (formerly Invitae), Labcorp).

NM_000330.4(RS1):c.208G>C (p.Gly70Arg)

Genes: CDKL5 (cyclin dependent kinase like 5; plus strand), RS1 (retinoschisin 1; minus strand). Cytogenetic location: Xp22.13.
Variant type: single nucleotide variant.
Coding change: c.208G>C on transcript NM_000330.4 (MANE Select); coding-DNA position 208, G replaced by C.
Protein change: p.Gly70Arg; replaces glycine 70 with arginine.
Molecular consequence: missense variant. On other transcripts: intron variant (2).
Genome position (GRCh38, 1-based): chrX:18,647,309, C>G on the plus strand (G>C on the coding strand, the complement: RS1 is on the minus strand). VCF-style: chrX-18647309-C-G. GRCh37 (hg19) VCF-style: chrX-18665429-C-G.
Other names: c.2797+1219C>G (NM_003159.3, NM_001037343.2); short protein forms G70R.
Identifiers: ClinVar variation 98914 (VCV000098914.7), dbSNP rs62645894, ClinGen allele CA226615.